The following is an entry in ClinVar:

ClinVar aggregate classification (germline): Uncertain significance (1 of 4 stars; one submission).

Allele frequency attached by ClinVar (database versions not stated): ExAC 0.00001; gnomAD 0.00001; gnomAD exomes 0.00001.
gnomAD v4.1: 12 of 1,565,166 alleles (0.00077%); highest among the groups gnomAD compares: Non-Finnish European, 0.0011%; no homozygotes.

Submission:

Labcorp Genetics (formerly Invitae), Labcorp
Classification: Uncertain significance. Last evaluated: 2022-07-11. Review status: criteria provided, single submitter. Criteria: Invitae Variant Classification Sherloc (09022015). Collection method: clinical testing. Allele origin: germline.
Comment: This sequence change falls in intron 2 of the NDUFV2 gene. It does not directly change the encoded amino acid sequence of the NDUFV2 protein. In summary, the available evidence is currently insufficient to determine the role of this variant in disease. Therefore, it has been classified as a Variant of Uncertain Significance. Algorithms developed to predict the effect of sequence changes on RNA splicing suggest that this variant may create or strengthen a splice site. ClinVar contains an entry for this variant (Variation ID: 1428138). This variant has not been reported in the literature in individuals affected with NDUFV2-related conditions. This variant is present in population databases (rs779472105, gnomAD 0.003%).

NM_021074.5(NDUFV2):c.120+9T>G

Gene: NDUFV2 (NADH:ubiquinone oxidoreductase core subunit V2; plus strand). Cytogenetic location: 18p11.22.
Variant type: single nucleotide variant.
Coding change: c.120+9T>G on transcript NM_021074.5 (MANE Select); 9 bases into the intron after coding-DNA position 120, T replaced by G.
Molecular consequence: intron variant.
Genome position (GRCh38, 1-based): chr18:9,117,912, T>G. VCF-style: chr18-9117912-T-G. GRCh37 (hg19) VCF-style: chr18-9117910-T-G.
Identifiers: ClinVar variation 1428138 (VCV001428138.8), dbSNP rs779472105, ClinGen allele CA8887115.